The following is an entry in ClinVar:

ClinVar aggregate classification (germline): Uncertain significance. Review status: criteria provided, multiple submitters, no conflicts (2 of 4 stars). 3 submissions from 3 submitters: Uncertain significance (3). Last evaluated 2024-06-11.

Conditions:
Inborn genetic diseases. Identifiers: MedGen C0950123, MeSH D030342.

gnomAD v4.1: 33 of 1,610,512 alleles (0.002%); highest among the groups gnomAD compares: Admixed American, 0.013%; no homozygotes.

Submissions (3):

GeneDx
Classification: Uncertain significance. Last evaluated: 2024-06-11. Review status: criteria provided, single submitter. Criteria: GeneDx Variant Classification Process June 2021. Collection method: clinical testing. Allele origin: germline. Affected: yes.
Comment: In silico analysis indicates that this missense variant does not alter protein structure/function; Has not been previously published as pathogenic or benign to our knowledge

Ambry Genetics
Classification: Uncertain significance for Inborn genetic diseases. Last evaluated: 2023-05-24. Review status: criteria provided, single submitter. Criteria: Ambry Variant Classification Scheme 2023. Collection method: clinical testing. Allele origin: germline.

Labcorp Genetics (formerly Invitae), Labcorp
Classification: Uncertain significance. Last evaluated: 2022-09-07. Review status: criteria provided, single submitter. Criteria: Invitae Variant Classification Sherloc (09022015). Collection method: clinical testing. Allele origin: germline.
Comment: In summary, the available evidence is currently insufficient to determine the role of this variant in disease. Therefore, it has been classified as a Variant of Uncertain Significance. Algorithms developed to predict the effect of missense changes on protein structure and function output the following: SIFT: "Tolerated"; PolyPhen-2: "Benign"; Align-GVGD: "Class C0". The threonine amino acid residue is found in multiple mammalian species, which suggests that this missense change does not adversely affect protein function. ClinVar contains an entry for this variant (Variation ID: 1391303). This variant has not been reported in the literature in individuals affected with LAMC3-related conditions. This variant is present in population databases (rs149766298, gnomAD 0.03%). This sequence change replaces alanine, which is neutral and non-polar, with threonine, which is neutral and polar, at codon 1137 of the LAMC3 protein (p.Ala1137Thr).

NM_006059.4(LAMC3):c.3409G>A (p.Ala1137Thr)

Gene: LAMC3 (laminin subunit gamma 3; plus strand). Cytogenetic location: 9q34.12.
Variant type: single nucleotide variant.
Coding change: c.3409G>A on transcript NM_006059.4 (MANE Select); coding-DNA position 3409, G replaced by A.
Protein change: p.Ala1137Thr; replaces alanine 1137 with threonine.
Molecular consequence: missense variant.
Genome position (GRCh38, 1-based): chr9:131,072,827, G>A. VCF-style: chr9-131072827-G-A. GRCh37 (hg19) VCF-style: chr9-133948214-G-A.
Other names: c.3409G>A (NM_006059.3); short protein forms A1137T.
Identifiers: ClinVar variation 1391303 (VCV001391303.8), dbSNP rs149766298, ClinGen allele CA5287770.